The following is an entry in ClinVar:

ClinVar aggregate classification (germline): Uncertain significance (1 of 4 stars; one submission).

Conditions:
Cardiovascular phenotype. Identifiers: MedGen CN230736.

gnomAD v4.1: 2 of 1,613,282 alleles (0.00012%); highest among the groups gnomAD compares: Non-Finnish European, 0.00017%; no homozygotes.

Submission:

Ambry Genetics
Classification: Uncertain significance for Cardiovascular phenotype. Last evaluated: 2024-05-19. Review status: criteria provided, single submitter. Criteria: Ambry Variant Classification Scheme 2023. Collection method: clinical testing. Allele origin: germline.
Comment: The p.F178V variant (also known as c.532T>G), located in coding exon 4 of the EPHB4 gene, results from a T to G substitution at nucleotide position 532. The phenylalanine at codon 178 is replaced by valine, an amino acid with highly similar properties. This amino acid position is conserved. In addition, the in silico prediction for this alteration is inconclusive. Based on the available evidence, the clinical significance of this variant remains unclear.

NM_004444.5(EPHB4):c.532T>G (p.Phe178Val)

Gene: EPHB4 (EPH receptor B4; minus strand). Cytogenetic location: 7q22.1.
Variant type: single nucleotide variant.
Coding change: c.532T>G on transcript NM_004444.5 (MANE Select); coding-DNA position 532, T replaced by G.
Protein change: p.Phe178Val; replaces phenylalanine 178 with valine.
Molecular consequence: missense variant.
Genome position (GRCh38, 1-based): chr7:100,822,547, A>C on the plus strand (T>G on the coding strand, the complement: EPHB4 is on the minus strand). VCF-style: chr7-100822547-A-C. GRCh37 (hg19) VCF-style: chr7-100420169-A-C.
Other names: short protein forms F178V.
Identifiers: ClinVar variation 3275988 (VCV003275988.1).
Genomic context (GRCh38, chr7:100,822,547, plus strand): 5'-CGCACTTTTTGTAGAAGAGGTGCAGGGATAGCAGGGCCATGCAGGCACCCTGGTCCTGGA[A>C]GGCCAGGTAGAAGCCAGCCTTGCTGAGCGGTCCCAGACGCAGCGTCTTGACATTCACCTT-3'
Protein context (NP_004435.3, residues 168-188): PLSKAGFYLA[Phe178Val]QDQGACMALL